The following is an entry in ClinVar:

NM_000128.4(F11):c.614del (p.Phe205fs)

Gene: F11 (coagulation factor XI; plus strand). Cytogenetic location: 4q35.2.
Variant type: Deletion.
Coding change: c.614del on transcript NM_000128.4 (MANE Select); coding-DNA position 614, one base deleted (T; older notation c.614delT).
Protein change: p.Phe205fs; shifts the reading frame from phenylalanine 205.
Molecular consequence: frameshift variant.
Genome position (GRCh38, 1-based): chr4:186,276,249, T deleted; the last of 4 consecutive T bases (chr4:186,276,246-186,276,249); deleting any one gives the same sequence. VCF-style (leftmost placement, unchanged base first): chr4-186276245-AT-A. GRCh37 (hg19) VCF-style: chr4-187197399-AT-A.
Other names: short protein forms F205fs.
Identifiers: ClinVar variation 1726377 (VCV001726377.2), dbSNP rs2477277265, ClinGen allele CA2580071716.

ClinVar aggregate classification (germline): Likely pathogenic (1 of 4 stars; one submission).

Conditions:
Hereditary factor XI deficiency disease. Also called: Congenital factor XI deficiency; PLASMA THROMBOPLASTIN ANTECEDENT DEFICIENCY; PTA DEFICIENCY; ROSENTHAL SYNDROME. Identifiers: Orphanet 329, MedGen C0015523, MeSH D005173, MONDO:0012897, OMIM 612416.

Submission:

Myriad Genetics, Inc.
Classification: Likely pathogenic for Hereditary factor XI deficiency disease. Last evaluated: 2022-01-02. Review status: criteria provided, single submitter. Criteria: Myriad Women's Health Autosomal Recessive and X-Linked Classification Criteria (2021). Collection method: clinical testing. Allele origin: unknown.
Comment: NM_000128.3(F11):c.614delT(F205Sfs*144) is expected to be pathogenic in the context of factor XI deficiency. This variant is predicted to lead to an abnormal or absent protein product due to the creation of a premature termination codon in F11, a gene where loss-of-function variants are known to be pathogenic. Please note: this variant was assessed in the context of healthy population screening.